The following is an entry in ClinVar:

ClinVar aggregate classification (germline): Uncertain significance (1 of 4 stars; one submission).

Conditions:
Charcot-Marie-Tooth disease type 2. Also called: Charcot-Marie-Tooth type 2. Identifiers: Orphanet 64746, MedGen C0270914, MONDO:0018993.

gnomAD v4.1: 1 of 1,614,162 alleles (0.000062%); highest among the groups gnomAD compares: Admixed American, 0.0017%; no homozygotes.

Submission:

Labcorp Genetics (formerly Invitae), Labcorp
Classification: Uncertain significance for Charcot-Marie-Tooth disease type 2. Last evaluated: 2025-12-23. Review status: criteria provided, single submitter. Criteria: Invitae Variant Classification Sherloc (09022015). Collection method: clinical testing. Allele origin: germline.
Comment: This sequence change replaces alanine, which is neutral and non-polar, with valine, which is neutral and non-polar, at codon 909 of the AARS protein (p.Ala909Val). This variant is not present in population databases (gnomAD no frequency). This variant has not been reported in the literature in individuals affected with AARS-related conditions. ClinVar contains an entry for this variant (Variation ID: 3662450). Invitae Evidence Modeling of protein sequence and biophysical properties (such as structural, functional, and spatial information, amino acid conservation, physicochemical variation, residue mobility, and thermodynamic stability) indicates that this missense variant is not expected to disrupt AARS protein function with a negative predictive value of 95%. In summary, the available evidence is currently insufficient to determine the role of this variant in disease. Therefore, it has been classified as a Variant of Uncertain Significance.

NM_001605.3(AARS1):c.2726C>T (p.Ala909Val)

Gene: AARS1 (alanyl-tRNA synthetase 1; minus strand). Cytogenetic location: 16q22.1.
Variant type: single nucleotide variant.
Coding change: c.2726C>T on transcript NM_001605.3 (MANE Select); coding-DNA position 2726, C replaced by T.
Protein change: p.Ala909Val; replaces alanine 909 with valine.
Molecular consequence: missense variant.
Genome position (GRCh38, 1-based): chr16:70,252,902, G>A on the plus strand (C>T on the coding strand, the complement: AARS1 is on the minus strand). VCF-style: chr16-70252902-G-A. GRCh37 (hg19) VCF-style: chr16-70286805-G-A.
Other names: short protein forms A909V.
Identifiers: ClinVar variation 3662450 (VCV003662450.2).
Genomic context (GRCh38, chr16:70,252,902, plus strand): 5'-CCGTCCATCAAGCCTGACACCTGCTGCACCCACTCGCTGGCTTTTAAGCCCCGATTGGCT[G>A]CATTCTAGAAGACAGGAAGGGAAGGGGGAGTCAGCACAGAAGATGGGATTGAGGGAGGAA-3'
Protein context (NP_001596.2, residues 899-919): ITCLCQVPQN[Ala909Val]ANRGLKASEW